The following is an entry in ClinVar:

ClinVar aggregate classification (germline): Uncertain significance (1 of 4 stars; one submission).

Submission:

Labcorp Genetics (formerly Invitae), Labcorp
Classification: Uncertain significance. Last evaluated: 2021-04-10. Review status: criteria provided, single submitter. Criteria: Invitae Variant Classification Sherloc (09022015). Collection method: clinical testing. Allele origin: germline.
Comment: In summary, the available evidence is currently insufficient to determine the role of this variant in disease. Therefore, it has been classified as a Variant of Uncertain Significance. Algorithms developed to predict the effect of missense changes on protein structure and function are either unavailable or do not agree on the potential impact of this missense change (SIFT: "Tolerated"; PolyPhen-2: "Possibly Damaging"; Align-GVGD: "Class C0"). This variant has not been reported in the literature in individuals with ADGRA3-related conditions. This variant is not present in population databases (ExAC no frequency). This sequence change replaces tryptophan with arginine at codon 502 of the ADGRA3 protein (p.Trp502Arg). The tryptophan residue is highly conserved and there is a moderate physicochemical difference between tryptophan and arginine.

NM_145290.4(ADGRA3):c.1504T>C (p.Trp502Arg)

Gene: ADGRA3 (adhesion G protein-coupled receptor A3; minus strand). Cytogenetic location: 4p15.2.
Variant type: single nucleotide variant.
Coding change: c.1504T>C on transcript NM_145290.4 (MANE Select); coding-DNA position 1504, T replaced by C.
Protein change: p.Trp502Arg; replaces tryptophan 502 with arginine.
Molecular consequence: missense variant.
Genome position (GRCh38, 1-based): chr4:22,424,292, A>G on the plus strand (T>C on the coding strand, the complement: ADGRA3 is on the minus strand). VCF-style: chr4-22424292-A-G. GRCh37 (hg19) VCF-style: chr4-22425915-A-G.
Other names: short protein forms W502R.
Identifiers: ClinVar variation 1524921 (VCV001524921.8), dbSNP rs2109041522, ClinGen allele CA356481519.
Genomic context (GRCh38, chr4:22,424,292, plus strand): 5'-CAATGCGCTGAAGACACTGCACAATCCTACTGCAGGCTTTAGCTTCCCTCTGCGCCAGCC[A>G]CAGGACACGTTCATCAGCCAACATGATGTTACTTGCAATGTCAACCATCACGTCACCTAG-3'
Protein context (NP_660333.2, residues 492-512): NIMLADERVL[Trp502Arg]LAQREAKACS